The following is an entry in ClinVar:

NM_001348323.3(TRIP12):c.4914A>G (p.Gln1638=)

Gene: TRIP12 (thyroid hormone receptor interactor 12; minus strand). Cytogenetic location: 2q36.3.
Variant type: single nucleotide variant.
Coding change: c.4914A>G on transcript NM_001348323.3 (MANE Select); coding-DNA position 4914, A replaced by G.
Protein change: p.Gln1638=; no amino-acid change (glutamine 1638 retained).
Molecular consequence: synonymous variant.
Genome position (GRCh38, 1-based): chr2:229,787,586, T>C on the plus strand (A>G on the coding strand, the complement: TRIP12 is on the minus strand). VCF-style: chr2-229787586-T-C. GRCh37 (hg19) VCF-style: chr2-230652302-T-C.
Other names: c.4833A>G, p.Gln1611= (NM_001284214.2, NM_001348315.2); c.4788A>G, p.Gln1596= (NM_001284215.2, NM_001348316.2); c.3879A>G, p.Gln1293= (NM_001284216.2); c.4773A>G, p.Gln1591= (NM_001348317.1, NM_001348318.2); c.4899A>G, p.Gln1633= (NM_001348319.1, NM_001348320.2); c.4902A>G, p.Gln1634= (NM_001348321.1); c.4914A>G, p.Gln1638= (NM_001348322.1, NM_001348324.2, NM_001348325.2 and 2 more transcripts); c.4917A>G, p.Gln1639= (NM_001348328.1, NM_001348329.2, NM_001348330.2); and 4 more.
Identifiers: ClinVar variation 3032735 (VCV003032735.2), dbSNP rs201900393, ClinGen allele CA2152434.

ClinVar aggregate classification (germline): Likely benign (0 of 4 stars; one submission).

Conditions:
TRIP12-related disorder. Also called: TRIP12-related condition.

Allele frequency attached by ClinVar (database versions not stated): ExAC 0.00001; gnomAD 0.00001; gnomAD exomes 0.00002; TOPMed 0.00002.
gnomAD v4.1: 36 of 1,613,766 alleles (0.0022%); highest among the groups gnomAD compares: Non-Finnish European, 0.0031%; no homozygotes.

Submission:

PreventionGenetics, part of Exact Sciences
Classification: Likely benign for TRIP12-related condition. Last evaluated: 2021-07-27. Review status: no assertion criteria provided. Collection method: clinical testing. Allele origin: germline.
Comment: This variant is classified as likely benign based on ACMG/AMP sequence variant interpretation guidelines (Richards et al. 2015 PMID: 25741868, with internal and published modifications).